The following is an entry in ClinVar:

ClinVar aggregate classification (germline): Uncertain significance (1 of 4 stars; one submission).

Conditions:
Tuberous sclerosis 2 (TSC2). Identifiers: Orphanet 805, MedGen C1860707, MONDO:0013199, OMIM 613254.

Allele frequency attached by ClinVar (database versions not stated): TOPMed 0.00001.

Submission:

Labcorp Genetics (formerly Invitae), Labcorp
Classification: Uncertain significance for Tuberous sclerosis 2. Last evaluated: 2020-10-14. Review status: criteria provided, single submitter. Criteria: Invitae Variant Classification Sherloc (09022015). Collection method: clinical testing. Allele origin: germline.
Comment: This sequence change replaces threonine with serine at codon 1393 of the TSC2 protein (p.Thr1393Ser). The threonine residue is highly conserved and there is a small physicochemical difference between threonine and serine. This variant is not present in population databases (ExAC no frequency). This variant has not been reported in the literature in individuals with TSC2-related conditions. Advanced modeling of protein sequence and biophysical properties (such as structural, functional, and spatial information, amino acid conservation, physicochemical variation, residue mobility, and thermodynamic stability) performed at Invitae indicates that this missense variant is not expected to disrupt TSC2 protein function. In summary, the available evidence is currently insufficient to determine the role of this variant in disease. Therefore, it has been classified as a Variant of Uncertain Significance.

NM_000548.5(TSC2):c.4178C>G (p.Thr1393Ser)

Gene: TSC2 (TSC complex subunit 2; plus strand). Cytogenetic location: 16p13.3.
Variant type: single nucleotide variant.
Coding change: c.4178C>G on transcript NM_000548.5 (MANE Select); coding-DNA position 4178, C replaced by G.
Protein change: p.Thr1393Ser; replaces threonine 1393 with serine.
Molecular consequence: missense variant.
Genome position (GRCh38, 1-based): chr16:2,084,400, C>G. VCF-style: chr16-2084400-C-G. GRCh37 (hg19) VCF-style: chr16-2134401-C-G.
Other names: c.3977C>G, p.Thr1326Ser (NM_001077183.3); c.4109C>G, p.Thr1370Ser (NM_001114382.3); c.3869C>G, p.Thr1290Ser (NM_001318827.2); c.3833C>G, p.Thr1278Ser (NM_001318829.2); c.3446C>G, p.Thr1149Ser (NM_001318831.2); c.4010C>G, p.Thr1337Ser (NM_001318832.2); c.3980C>G, p.Thr1327Ser (NM_001363528.2); c.4046C>G, p.Thr1349Ser (NM_001370404.1); and 1 more; short protein forms T1326S, T1149S, T1278S, T1327S, T1370S, T1350S, T1290S, T1337S.
Identifiers: ClinVar variation 1036982 (VCV001036982.8), dbSNP rs755583869, ClinGen allele CA394299789.